The following is an entry in ClinVar:

ClinVar aggregate classification (germline): Uncertain significance (1 of 4 stars; one submission).

Submission:

Ambry Genetics
Classification: Uncertain significance. Last evaluated: 2024-12-31. Review status: criteria provided, single submitter. Criteria: Ambry Variant Classification Scheme 2023. Collection method: clinical testing. Allele origin: germline.
Comment: The p.I553T variant (also known as c.1658T>C), located in coding exon 4 of the TMPO gene, results from a T to C substitution at nucleotide position 1658. The isoleucine at codon 553 is replaced by threonine, an amino acid with similar properties. This amino acid position is conserved. In addition, this alteration is predicted to be tolerated by in silico analysis. Based on the available evidence, the clinical significance of this variant remains unclear.

NM_001032283.3(TMPO):c.565+2077T>C

Gene: TMPO (thymopoietin; plus strand). Cytogenetic location: 12q23.1.
Variant type: single nucleotide variant.
Coding change: c.565+2077T>C on transcript NM_001032283.3 (MANE Select); 2077 bases into the intron after coding-DNA position 565, T replaced by C.
Molecular consequence: intron variant. On other transcripts: missense variant (1).
Genome position (GRCh38, 1-based): chr12:98,533,915, T>C. VCF-style: chr12-98533915-T-C. GRCh37 (hg19) VCF-style: chr12-98927693-T-C.
Other names: c.1658T>C, p.Ile553Thr (NM_003276.2); c.565+2077T>C (NM_001307975.2, NM_001032284.3); short protein forms I553T.
Identifiers: ClinVar variation 3808572 (VCV003808572.1).